The following is an entry in ClinVar:

NM_001845.6(COL4A1):c.4099_4108del (p.Gly1366_Pro1367insTer)

Gene: COL4A1 (collagen type IV alpha 1 chain; minus strand). Cytogenetic location: 13q34.
Variant type: Deletion.
Coding change: c.4099_4108del on transcript NM_001845.6 (MANE Select); coding-DNA positions 4099 to 4108, 10 bases deleted (CCCCCAGGGC; older notation c.4099_4108delCCCCCAGGGC).
Protein change: p.Gly1366_Pro1367insTer.
Molecular consequence: nonsense.
Genome position (GRCh38, 1-based): chr13:110,164,904-110,164,913, GCCCTGGGGG deleted on the plus strand (CCCCCAGGGC on the coding strand, the reverse complement: COL4A1 is on the minus strand); deleting any 10 consecutive bases within chr13:110,164,904-110,164,918 gives the same sequence; the c. name uses the placement nearest the transcript's 3' end. VCF-style (leftmost placement, unchanged base first): chr13-110164903-AGCCCTGGGGG-A. GRCh37 (hg19) VCF-style: chr13-110817250-AGCCCTGGGGG-A.
Identifiers: ClinVar variation 4729647 (VCV004729647.1).

ClinVar aggregate classification (germline): Pathogenic (1 of 4 stars; one submission).

Submission:

Labcorp Genetics (formerly Invitae), Labcorp
Classification: Pathogenic. Last evaluated: 2025-10-21. Review status: criteria provided, single submitter. Criteria: Invitae Variant Classification Sherloc (09022015). Collection method: clinical testing. Allele origin: germline.
Comment: This sequence change creates a premature translational stop signal (p.Pro1367*) in the COL4A1 gene. It is expected to result in an absent or disrupted protein product. Loss-of-function variants in COL4A1 are known to be pathogenic (PMID: 23225343). This variant is not present in population databases (gnomAD no frequency). This variant has not been reported in the literature in individuals affected with COL4A1-related conditions. For these reasons, this variant has been classified as Pathogenic.

Literature cited by the submitters: PubMed 23225343.